The following is an entry in ClinVar:

ClinVar aggregate classification (germline): Benign/Likely benign. Review status: criteria provided, multiple submitters, no conflicts (2 of 4 stars). 4 submissions from 4 submitters: Benign (2); Likely benign (1). 1 of the submissions does not count toward it. Last evaluated 2025-07-31.

Conditions:
Aortic valve disease 2 (AOVD2). Identifiers: MedGen C3542024, MONDO:0013902, OMIM 614823.
TBX5-related disorder. Also called: TBX5-related condition.
Cardiovascular phenotype. Identifiers: MedGen CN230736.
Holt-Oram syndrome (HOS). Also called: TBX5-Related Holt-Oram Syndrome; Ventriculo-radial syndrome; Cardiac-limb syndrome; Heart-hand syndrome, type 1. Identifiers: Orphanet 392, MedGen C0265264, MONDO:0007732, OMIM 142900.

Allele frequency attached by ClinVar (database versions not stated): gnomAD 0.00001 and 0.00015; TOPMed 0.00005; 1000 Genomes Project 30x 0.00047; gnomAD exomes 0.00049; ExAC 0.00056; 1000 Genomes Project 0.00060.
gnomAD v4.1: 364 of 1,614,086 alleles (0.023%); highest among the groups gnomAD compares: South Asian, 0.36%; 7 homozygotes.

Submissions (4):

Labcorp Genetics (formerly Invitae), Labcorp
Classification: Benign for Aortic valve disease 2. Last evaluated: 2025-07-31. Review status: criteria provided, single submitter. Criteria: Invitae Variant Classification Sherloc (09022015). Collection method: clinical testing. Allele origin: germline.

Ambry Genetics
Classification: Likely benign for Cardiovascular phenotype. Last evaluated: 2020-08-07. Review status: criteria provided, single submitter. Criteria: Ambry Variant Classification Scheme 2023. Collection method: clinical testing. Allele origin: germline.

Illumina Laboratory Services, Illumina
Classification: Benign for Holt-Oram syndrome. Last evaluated: 2018-01-12. Review status: criteria provided, single submitter. Criteria: ICSL Variant Classification Criteria 13 December 2019. Collection method: clinical testing. Allele origin: germline.
Comment: This variant was observed in the ICSL laboratory as part of a predisposition screen in an ostensibly healthy population. It had not been previously curated by ICSL or reported in the Human Gene Mutation Database (HGMD: prior to June 1st, 2018), and was therefore a candidate for classification through an automated scoring system. Utilizing variant allele frequency, disease prevalence and penetrance estimates, and inheritance mode, an automated score was calculated to assess if this variant is too frequent to cause the disease. Based on the score and internal cut-off values, a variant classified as benign is not then subjected to further curation. The score for this variant resulted in a classification of benign for this disease.

PreventionGenetics, part of Exact Sciences
Classification: Likely benign for TBX5-related condition. Last evaluated: 2020-02-07. Review status: no assertion criteria provided. Collection method: clinical testing. Allele origin: germline. Not counted in ClinVar's aggregate classification.
Comment: This variant is classified as likely benign based on ACMG/AMP sequence variant interpretation guidelines (Richards et al. 2015 PMID: 25741868, with internal and published modifications).

NM_181486.4(TBX5):c.1313G>A (p.Arg438Gln)

Gene: TBX5 (T-box transcription factor 5; minus strand). Cytogenetic location: 12q24.21.
Variant type: single nucleotide variant.
Coding change: c.1313G>A on transcript NM_181486.4 (MANE Select); coding-DNA position 1313, G replaced by A.
Protein change: p.Arg438Gln; replaces arginine 438 with glutamine.
Molecular consequence: missense variant.
Genome position (GRCh38, 1-based): chr12:114,355,776, C>T on the plus strand (G>A on the coding strand, the complement: TBX5 is on the minus strand). VCF-style: chr12-114355776-C-T. GRCh37 (hg19) VCF-style: chr12-114793581-C-T.
Other names: c.1313G>A, p.Arg438Gln (NM_000192.3); c.1163G>A, p.Arg388Gln (NM_080717.4); short protein forms R438Q, R388Q.
Identifiers: ClinVar variation 307303 (VCV000307303.13), dbSNP rs557758851, ClinGen allele CA6809358.
Genomic context (GRCh38, chr12:114,355,776, plus strand): 5'-TGGTGCTGGAACATTCCCTCTCCCAGCTGTGGGGAGCCATGGTTGGCCATGCCAGCCAGC[C>T]GAGGGACCAGGGGCCCCGAGGTGAAGTGAGCGGAGAAGTGCTGGTAGGGTAGCCTGTCCA-3'
Protein context (NP_852259.1, residues 428-448): AHFTSGPLVP[Arg438Gln]LAGMANHGSP